The following is an entry in ClinVar:

ClinVar aggregate classification (germline): Uncertain significance (1 of 4 stars; one submission).

Submission:

GeneDx
Classification: Uncertain significance. Last evaluated: 2026-02-25. Review status: criteria provided, single submitter. Criteria: GeneDx Variant Classification Process June 2021. Collection method: clinical testing. Allele origin: germline.
Comment: Not observed at significant frequency in large population cohorts (gnomAD); In silico analyses, including protein predictors and evolutionary conservation, suggest that this variant does not alter protein structure/function; Has not been previously published as pathogenic or benign to our knowledge; Reported using an alternate transcript of the gene

NM_001349798.2(FBXW7):c.502-2531C>T

Gene: FBXW7 (F-box and WD repeat domain containing 7; minus strand). Cytogenetic location: 4q31.3.
Variant type: single nucleotide variant.
Coding change: c.502-2531C>T on transcript NM_001349798.2 (MANE Select); 2531 bases into the intron before coding-DNA position 502, C replaced by T.
Molecular consequence: intron variant. On other transcripts: missense variant (1).
Genome position (GRCh38, 1-based): chr4:152,352,655, G>A on the plus strand (C>T on the coding strand, the complement: FBXW7 is on the minus strand). VCF-style: chr4-152352655-G-A. GRCh37 (hg19) VCF-style: chr4-153273807-G-A.
Other names: c.76C>T, p.Pro26Ser (NM_018315.5); c.148-2531C>T (NM_001013415.2); c.502-2531C>T (NM_033632.3); short protein forms P26S.
Identifiers: ClinVar variation 5009758 (VCV005009758.1).